The following is an entry in ClinVar:

ClinVar aggregate classification (germline): Uncertain significance. Review status: criteria provided, multiple submitters, no conflicts (2 of 4 stars). 5 submissions from 5 submitters: Uncertain significance (5). Last evaluated 2025-12-01.

Conditions:
SLC4A1-related disorder. Also called: SLC4A1-related disorders; SLC4A1-related condition.
Southeast Asian ovalocytosis. Also called: HE, STOMATOCYTIC; Stomatocytic elliptocytosis, hereditary; Ovalocytosis, Malaysian-Melanesian-Filipino type; Elliptocytosis 4. Identifiers: Orphanet 98868, MedGen C1862322, MONDO:0008165, OMIM 166900.
Renal tubular acidosis, distal, 4, with hemolytic anemia. Also called: Renal Tubular Acidosis, Distal, with Hemolytic Anemia. Identifiers: Orphanet 93610, MedGen C5436235, MONDO:0012700, OMIM 611590.
Cryohydrocytosis. Also called: CRYOHYDROCYTOSIS DUE TO BAND 3 HEMEL; CRYOHYDROCYTOSIS DUE TO BAND 3 HURSTPIERPOINT; CRYOHYDROCYTOSIS DUE TO BAND 3 BLACKBURN; Hereditary cryohydrocytosis with normal stomatin; STOMATOCYTOSIS, COLD-SENSITIVE. Identifiers: Orphanet 398088, MedGen C1861453, MONDO:0008494, OMIM 185020.
Autosomal dominant distal renal tubular acidosis (DRTA1). Also called: Renal Tubular Acidosis, Type I; RENAL TUBULAR ACIDOSIS, DISTAL, 1; RTA, CLASSIC TYPE; RTA, DISTAL TYPE, AUTOSOMAL DOMINANT; RTA, GRADIENT TYPE. Identifiers: Orphanet 93608, MedGen CN280572, MONDO:0008368, OMIM 179800.
BLOOD GROUP--SWANN SYSTEM (SW). Also called: SWANN BLOOD GROUP. Identifiers: MedGen C1832169, OMIM 601550.
BLOOD GROUP, WALDNER (WD). Also called: WALDNER BLOOD GROUP ANTIGEN. Identifiers: MedGen C1862191, OMIM 112010.
BLOOD GROUP--FROESE (FR). Also called: FROESE BLOOD GROUP ANTIGEN. Identifiers: MedGen C1832168, OMIM 601551.
BLOOD GROUP--WRIGHT ANTIGEN (WR). Identifiers: MedGen C1862190, OMIM 112050.
BLOOD GROUP--DIEGO SYSTEM (DI). Identifiers: MedGen C1292286, OMIM 110500.
Malaria, susceptibility to. Identifiers: Orphanet 673, MedGen C1970028, MONDO:0021024, OMIM 611162.
Hereditary spherocytosis type 4. Also called: SLC4A1-Related Spherocytosis. Identifiers: Orphanet 822, MedGen C2675212, MONDO:0012981, OMIM 612653.

Allele frequency attached by ClinVar (database versions not stated): ExAC 0.00003; gnomAD 0.00005 and 0.00006; gnomAD exomes 0.00005; ESP Exome Variant Server 0.00008; TOPMed 0.00009.

Submissions (5):

PreventionGenetics, part of Exact Sciences
Classification: Uncertain significance for SLC4A1-related condition. Last evaluated: 2025-12-01. Review status: criteria provided, single submitter. Criteria: ACMG Guidelines, 2015. Collection method: clinical testing. Allele origin: germline.
Comment: The SLC4A1 c.985G>A variant is predicted to result in the amino acid substitution p.Glu329Lys. To our knowledge, this variant has not been reported in the literature. This variant is reported in 0.010% of alleles in individuals of European (Non-Finnish) descent in gnomAD. At this time, the clinical significance of this variant is uncertain due to the absence of conclusive functional and genetic evidence.

Labcorp Genetics (formerly Invitae), Labcorp
Classification: Uncertain significance. Last evaluated: 2025-04-22. Review status: criteria provided, single submitter. Criteria: Invitae Variant Classification Sherloc (09022015). Collection method: clinical testing. Allele origin: germline.
Comment: This sequence change replaces glutamic acid, which is acidic and polar, with lysine, which is basic and polar, at codon 329 of the SLC4A1 protein (p.Glu329Lys). This variant is present in population databases (rs141370158, gnomAD 0.009%). This variant has not been reported in the literature in individuals affected with SLC4A1-related conditions. ClinVar contains an entry for this variant (Variation ID: 1162819). Invitae Evidence Modeling of protein sequence and biophysical properties (such as structural, functional, and spatial information, amino acid conservation, physicochemical variation, residue mobility, and thermodynamic stability) indicates that this missense variant is not expected to disrupt SLC4A1 protein function with a negative predictive value of 80%. In summary, the available evidence is currently insufficient to determine the role of this variant in disease. Therefore, it has been classified as a Variant of Uncertain Significance.

Blueprint Genetics
Classification: Uncertain significance. Last evaluated: 2023-05-31. Review status: criteria provided, single submitter. Criteria: ACMG Guidelines, 2015. Collection method: clinical testing. Allele origin: germline.

Fulgent Genetics
Classification: Uncertain significance for BLOOD GROUP--DIEGO SYSTEM; BLOOD GROUP, WALDNER; BLOOD GROUP--WRIGHT ANTIGEN; Southeast Asian ovalocytosis; Autosomal dominant distal renal tubular acidosis; Cryohydrocytosis; BLOOD GROUP--SWANN SYSTEM; BLOOD GROUP--FROESE; Malaria, susceptibility to; Renal tubular acidosis, distal, 4, with hemolytic anemia; Hereditary spherocytosis type 4. Last evaluated: 2022-03-16. Review status: criteria provided, single submitter. Criteria: ACMG Guidelines, 2015. Collection method: clinical testing. Allele origin: unknown.

Mayo Clinic Laboratories, Mayo Clinic
Classification: Uncertain significance. Last evaluated: 2020-08-04. Review status: criteria provided, single submitter. Criteria: ACMG Guidelines, 2015. Collection method: clinical testing. Allele origin: germline. Observed: 1 variant allele.

NM_000342.4(SLC4A1):c.985G>A (p.Glu329Lys)

Gene: SLC4A1 (solute carrier family 4 member 1 (Diego blood group); minus strand). Cytogenetic location: 17q21.31.
Variant type: single nucleotide variant.
Coding change: c.985G>A on transcript NM_000342.4 (MANE Select); coding-DNA position 985, G replaced by A.
Protein change: p.Glu329Lys; replaces glutamic acid 329 with lysine.
Molecular consequence: missense variant.
Genome position (GRCh38, 1-based): chr17:44,258,515, C>T on the plus strand (G>A on the coding strand, the complement: SLC4A1 is on the minus strand). VCF-style: chr17-44258515-C-T. GRCh37 (hg19) VCF-style: chr17-42335883-C-T.
Other names: short protein forms E329K.
Identifiers: ClinVar variation 1162819 (VCV001162819.13), dbSNP rs141370158, ClinGen allele CA8600408.
Genomic context (GRCh38, chr17:44,258,515, plus strand): 5'-ACTGATAGCGCCTTCGAAGTAGCTCCCTCTGCACAGGCACCAGACTGAGCAGTGCCTGCT[C>T]GGAGGGGGCATCGGTGGGAGGCAGCACTAGGCTGCAGTCCAGGAAGCCCTCTAGGGAGTG-3'
Protein context (NP_000333.1, residues 319-339): LVLPPTDAPS[Glu329Lys]QALLSLVPVQ